The following is an entry in ClinVar:

ClinVar aggregate classification (germline): Uncertain significance (1 of 4 stars; one submission).

Conditions:
Hermansky-Pudlak syndrome 9 (HPS9). Identifiers: Orphanet 280663, Orphanet 79430, MedGen C3280026, MONDO:0013606, OMIM 614171.

Allele frequency attached by ClinVar (database versions not stated): ExAC 0.00001; gnomAD exomes 0.00001; TOPMed 0.00002; gnomAD 0.00003.
gnomAD v4.1: 17 of 1,613,600 alleles (0.0011%); highest among the groups gnomAD compares: African/African-American, 0.004%; no homozygotes.

Submission:

Labcorp Genetics (formerly Invitae), Labcorp
Classification: Uncertain significance for Hermansky-Pudlak syndrome 9. Last evaluated: 2021-08-20. Review status: criteria provided, single submitter. Criteria: Invitae Variant Classification Sherloc (09022015). Collection method: clinical testing. Allele origin: germline.
Comment: This sequence change replaces threonine with isoleucine at codon 75 of the BLOC1S6 protein (p.Thr75Ile). The threonine residue is highly conserved and there is a moderate physicochemical difference between threonine and isoleucine. This variant is present in population databases (rs768978261, ExAC 0.002%). This variant has not been reported in the literature in individuals affected with BLOC1S6-related conditions. Algorithms developed to predict the effect of missense changes on protein structure and function (SIFT, PolyPhen-2, Align-GVGD) all suggest that this variant is likely to be disruptive. In summary, the available evidence is currently insufficient to determine the role of this variant in disease. Therefore, it has been classified as a Variant of Uncertain Significance.

NM_012388.4(BLOC1S6):c.224C>T (p.Thr75Ile)

Gene: BLOC1S6 (biogenesis of lysosomal organelles complex 1 subunit 6; plus strand). Cytogenetic location: 15q21.1.
Variant type: single nucleotide variant.
Coding change: c.224C>T on transcript NM_012388.4 (MANE Select); coding-DNA position 224, C replaced by T.
Protein change: p.Thr75Ile; replaces threonine 75 with isoleucine.
Molecular consequence: missense variant. On other transcripts: non-coding transcript variant (5).
Genome position (GRCh38, 1-based): chr15:45,592,276, C>T. VCF-style: chr15-45592276-C-T. GRCh37 (hg19) VCF-style: chr15-45884474-C-T.
Other names: c.239C>T, p.Thr80Ile (NM_001311255.1, NM_001311256.1); short protein forms T75I, T80I.
Identifiers: ClinVar variation 1412020 (VCV001412020.5), dbSNP rs768978261, ClinGen allele CA7544272.